The following is an entry in ClinVar:

ClinVar aggregate classification (germline): Uncertain significance (1 of 4 stars; one submission).

Allele frequency attached by ClinVar (database versions not stated): TOPMed 0.00001.
gnomAD v4.1: 1 of 1,614,036 alleles (0.000062%); highest among the groups gnomAD compares: Non-Finnish European, 0.000085%; no homozygotes.

Submission:

Labcorp Genetics (formerly Invitae), Labcorp
Classification: Uncertain significance. Last evaluated: 2022-03-27. Review status: criteria provided, single submitter. Criteria: Invitae Variant Classification Sherloc (09022015). Collection method: clinical testing. Allele origin: germline.
Comment: This sequence change replaces aspartic acid, which is acidic and polar, with histidine, which is basic and polar, at codon 501 of the LPIN1 protein (p.Asp501His). This variant is not present in population databases (gnomAD no frequency). This variant has not been reported in the literature in individuals affected with LPIN1-related conditions. Algorithms developed to predict the effect of missense changes on protein structure and function are either unavailable or do not agree on the potential impact of this missense change (SIFT: "Deleterious"; PolyPhen-2: "Probably Damaging"; Align-GVGD: "Class C0"). In summary, the available evidence is currently insufficient to determine the role of this variant in disease. Therefore, it has been classified as a Variant of Uncertain Significance.

NM_001349206.2(LPIN1):c.1609G>C (p.Asp537His)

Gene: LPIN1 (lipin 1; plus strand). Cytogenetic location: 2p25.1.
Variant type: single nucleotide variant.
Coding change: c.1609G>C on transcript NM_001349206.2 (MANE Select); coding-DNA position 1609, G replaced by C.
Protein change: p.Asp537His; replaces aspartic acid 537 with histidine.
Molecular consequence: missense variant. On other transcripts: non-coding transcript variant (1).
Genome position (GRCh38, 1-based): chr2:11,787,133, G>C. VCF-style: chr2-11787133-G-C. GRCh37 (hg19) VCF-style: chr2-11927259-G-C.
Other names: c.1519G>C, p.Asp507His (NM_001261427.3); c.1756G>C, p.Asp586His (NM_001261428.3); c.1501G>C, p.Asp501His (NM_001349199.2, NM_001349200.2, NM_001349201.2 and 1 more transcripts); c.1606G>C, p.Asp536His (NM_001349202.2, NM_001349203.2); c.1609G>C, p.Asp537His (NM_001349204.2, NM_001349205.2); c.1699G>C, p.Asp567His (NM_001349207.2); c.1648G>C, p.Asp550His (NM_001349208.2); short protein forms D501H, D567H, D586H, D537H, D550H, D536H, D507H.
Identifiers: ClinVar variation 2183567 (VCV002183567.4), dbSNP rs1323413182, ClinGen allele CA345857868.